The following is an entry in ClinVar:

ClinVar aggregate classification (germline): Pathogenic. Review status: criteria provided, single submitter (1 of 4 stars). 2 submissions from 2 submitters: Pathogenic (1). 1 of the submissions does not count toward it. Last evaluated 2023-10-03.

Conditions:
Nephronophthisis. Also called: Juvenile Nephronophthisis. Identifiers: Orphanet 655, MedGen C0687120, MONDO:0019005, HP:0000090.

Allele frequency attached by ClinVar (database versions not stated): gnomAD exomes below 0.00001 and 0.00001; gnomAD 0.00001; TOPMed 0.00001.
gnomAD v4.1: 14 of 1,613,894 alleles (0.00087%); highest among the groups gnomAD compares: Non-Finnish European, 0.0012%; no homozygotes.

Submissions (2):

Labcorp Genetics (formerly Invitae), Labcorp
Classification: Pathogenic for Nephronophthisis. Last evaluated: 2023-10-03. Review status: criteria provided, single submitter. Criteria: Invitae Variant Classification Sherloc (09022015). Collection method: clinical testing. Allele origin: germline.
Comment: This sequence change creates a premature translational stop signal (p.Gln359*) in the NPHP4 gene. It is expected to result in an absent or disrupted protein product. Loss-of-function variants in NPHP4 are known to be pathogenic (PMID: 12205563, 23559409). This variant is present in population databases (no rsID available, gnomAD 0.0009%). This variant has not been reported in the literature in individuals affected with NPHP4-related conditions. ClinVar contains an entry for this variant (Variation ID: 988264). For these reasons, this variant has been classified as Pathogenic.

Sydney Genome Diagnostics, Children's Hospital Westmead
Classification: Likely pathogenic for Nephronophthisis. Last evaluated: 2018-02-21. Review status: no assertion criteria provided. Collection method: clinical testing. Allele origin: unknown. Affected: yes. Observed: 1 variant allele, 1 compound heterozygote. Not counted in ClinVar's aggregate classification.
Comment: This variant creates a premature stop codon p.(Gln359*) and may result in a null allele due to nonsense-mediated mRNA decay. This variant has been reported in the gnomAD browser with a very low allele frequency of 0.0004% (1 out of 246,250 alleles). To our knowledge, this variant has not been previously reported in the literature or any disease specific databases to be a disease causing variant. However, other truncating variants downstream of this amino acid have been described in the literature ClinVar ([gene]). This variant is considered to be likely pathogenic according to the ACMG guidelines.

Literature cited by the submitters: PubMed 12205563 (cited by Labcorp Genetics (formerly Invitae), Labcorp); PubMed 23559409 (cited by Labcorp Genetics (formerly Invitae), Labcorp).

NM_015102.5(NPHP4):c.1075C>T (p.Gln359Ter)

Gene: NPHP4 (nephrocystin 4; minus strand). Cytogenetic location: 1p36.31.
Variant type: single nucleotide variant.
Coding change: c.1075C>T on transcript NM_015102.5 (MANE Select); coding-DNA position 1075, C replaced by T.
Protein change: p.Gln359Ter; replaces glutamine 359 with a stop codon.
Molecular consequence: nonsense. On other transcripts: 5 prime UTR variant (2), non-coding transcript variant (1).
Genome position (GRCh38, 1-based): chr1:5,947,148, G>A on the plus strand (C>T on the coding strand, the complement: NPHP4 is on the minus strand). VCF-style: chr1-5947148-G-A. GRCh37 (hg19) VCF-style: chr1-6007208-G-A.
Other names: c.-292C>T (NM_001291593.2, NM_001291594.2); short protein forms Q359*.
Identifiers: ClinVar variation 988264 (VCV000988264.6), dbSNP rs1430741326, ClinGen allele CA338063971.